The following is an entry in ClinVar:

ClinVar aggregate classification (germline): Uncertain significance (1 of 4 stars; one submission).

Conditions:
Perlman syndrome (PRLMNS). Identifiers: Orphanet 2849, MedGen C0796113, MONDO:0009965, OMIM 267000.

Submission:

Labcorp Genetics (formerly Invitae), Labcorp
Classification: Uncertain significance for Perlman syndrome. Last evaluated: 2023-04-11. Review status: criteria provided, single submitter. Criteria: Invitae Variant Classification Sherloc (09022015). Collection method: clinical testing. Allele origin: germline.
Comment: In summary, the available evidence is currently insufficient to determine the role of this variant in disease. Therefore, it has been classified as a Variant of Uncertain Significance. Variants that disrupt the consensus splice site are a relatively common cause of aberrant splicing (PMID: 17576681, 9536098). Algorithms developed to predict the effect of sequence changes on RNA splicing suggest that this variant may create or strengthen a splice site. This variant has not been reported in the literature in individuals affected with DIS3L2-related conditions. This variant is not present in population databases (gnomAD no frequency). This sequence change affects codon 553 of the DIS3L2 mRNA. It is a 'silent' change, meaning that it does not change the encoded amino acid sequence of the DIS3L2 protein. This variant also falls at the last nucleotide of exon 13, which is part of the consensus splice site for this exon.

Literature cited by the submitters: PubMed 17576681; PubMed 9536098.

NM_152383.5(DIS3L2):c.1659G>A (p.Gln553=)

Gene: DIS3L2 (DIS3 like 3'-5' exoribonuclease 2; plus strand). Cytogenetic location: 2q37.1.
Variant type: single nucleotide variant.
Coding change: c.1659G>A on transcript NM_152383.5 (MANE Select); coding-DNA position 1659, G replaced by A.
Protein change: p.Gln553=; no amino-acid change (glutamine 553 retained).
Molecular consequence: synonymous variant. On other transcripts: non-coding transcript variant (2), intron variant (1).
Genome position (GRCh38, 1-based): chr2:232,263,440, G>A. VCF-style: chr2-232263440-G-A. GRCh37 (hg19) VCF-style: chr2-233128150-G-A.
Other names: c.1581+78G>A (NM_001257281.2).
Identifiers: ClinVar variation 2981678 (VCV002981678.3), dbSNP rs2470079807, ClinGen allele CA431947464.
Genomic context (GRCh38, chr2:232,263,440, plus strand): 5'-CGGAATTGCCAAGCAGTTACGCCAGCAGCGCTTTGTGGACGGCGCACTTCGTTTGGATCA[G>A]GTCAGTACGTGTTTTTTTAGTGTAGCCAACAGATTTGACTCGTGCCTGAACCCAGCGTGG-3'
Protein context (NP_689596.4, residues 543-563): RFVDGALRLD[Gln553=]LKLAFTLDHE